The following is an entry in ClinVar:

NM_001130438.3(SPTAN1):c.497A>G (p.Asn166Ser)

Gene: SPTAN1 (spectrin alpha, non-erythrocytic 1; plus strand). Cytogenetic location: 9q34.11.
Variant type: single nucleotide variant.
Coding change: c.497A>G on transcript NM_001130438.3 (MANE Select); coding-DNA position 497, A replaced by G.
Protein change: p.Asn166Ser; replaces asparagine 166 with serine.
Molecular consequence: missense variant.
Genome position (GRCh38, 1-based): chr9:128,574,808, A>G. VCF-style: chr9-128574808-A-G. GRCh37 (hg19) VCF-style: chr9-131337087-A-G.
Other names: c.497A>G, p.Asn166Ser (NM_001195532.2, NM_001363759.2, NM_001363765.2 and 5 more transcripts); c.533A>G, p.Asn178Ser (NM_001375312.2, NM_001375318.1); short protein forms N178S, N166S.
Identifiers: ClinVar variation 946050 (VCV000946050.33), dbSNP rs139943747, ClinGen allele CA5264177.

ClinVar aggregate classification (germline): Uncertain significance. Review status: criteria provided, multiple submitters, no conflicts (2 of 4 stars). 3 submissions from 3 submitters: Uncertain significance (3). Last evaluated 2025-03-30.

Conditions:
Early-infantile DEE. Also called: Early infantile epileptic encephalopathy; Ohtahara syndrome; Early infantile epileptic encephalopathy with suppression bursts. Identifiers: Orphanet 1934, MedGen C0393706, MONDO:0800491.
Inborn genetic diseases. Identifiers: MedGen C0950123, MeSH D030342.

Allele frequency attached by ClinVar (database versions not stated): gnomAD exomes 0.00001; TOPMed 0.00002; gnomAD 0.00003; ESP Exome Variant Server 0.00008; ExAC 0.00001.
gnomAD v4.1: 11 of 1,613,950 alleles (0.00068%); highest among the groups gnomAD compares: East Asian, 0.0022%; no homozygotes.

Submissions (3):

Labcorp Genetics (formerly Invitae), Labcorp
Classification: Uncertain significance for Early-infantile DEE. Last evaluated: 2025-03-30. Review status: criteria provided, single submitter. Criteria: Invitae Variant Classification Sherloc (09022015). Collection method: clinical testing. Allele origin: germline.
Comment: This sequence change replaces asparagine, which is neutral and polar, with serine, which is neutral and polar, at codon 166 of the SPTAN1 protein (p.Asn166Ser). The frequency data for this variant in the population databases is considered unreliable, as metrics indicate poor data quality at this position in the gnomAD database. This variant has not been reported in the literature in individuals affected with SPTAN1-related conditions. ClinVar contains an entry for this variant (Variation ID: 946050). Invitae Evidence Modeling of protein sequence and biophysical properties (such as structural, functional, and spatial information, amino acid conservation, physicochemical variation, residue mobility, and thermodynamic stability) has been performed for this missense variant. However, the output from this modeling did not meet the statistical confidence thresholds required to predict the impact of this variant on SPTAN1 protein function. In summary, the available evidence is currently insufficient to determine the role of this variant in disease. Therefore, it has been classified as a Variant of Uncertain Significance.

Ambry Genetics
Classification: Uncertain significance for Inborn genetic diseases. Last evaluated: 2024-12-10. Review status: criteria provided, single submitter. Criteria: Ambry Variant Classification Scheme 2023. Collection method: clinical testing. Allele origin: germline.

CeGaT Center for Human Genetics Tuebingen
Classification: Uncertain significance. Last evaluated: 2023-03-01. Review status: criteria provided, single submitter. Criteria: CeGaT Center For Human Genetics Tuebingen Variant Classification Criteria Version 2. Collection method: clinical testing. Allele origin: germline. Affected: yes. Observed: 1 variant allele.
Comment: SPTAN1: PP2, BP4